The following is an entry in ClinVar:

ClinVar aggregate classification (germline): Pathogenic/Likely pathogenic. Review status: criteria provided, multiple submitters, no conflicts (2 of 4 stars). 11 submissions from 9 submitters: Pathogenic (8); Likely pathogenic (2). 1 of the submissions does not count toward it. Last evaluated 2026-07-13.

Conditions:
Retinitis pigmentosa 12 (RP12). Also called: RP WITH OR WITHOUT PRESERVED PARAARTERIOLE RETINAL PIGMENT EPITHELIUM; RETINITIS PIGMENTOSA WITH OR WITHOUT PARAARTERIOLAR PRESERVATION OF RETINAL PIGMENT EPITHELIUM; RP WITH OR WITHOUT PPRPE. Identifiers: Orphanet 791, MedGen C1838647, MONDO:0010818, OMIM 600105.
Leber congenital amaurosis 8 (LCA8). Identifiers: Orphanet 65, MedGen C3151202, MONDO:0013453, OMIM 613835.
Pigmented paravenous retinochoroidal atrophy. Identifiers: Orphanet 251295, MedGen C1868310, MONDO:0008246, OMIM 172870.
Leber congenital amaurosis (LCA). Also called: Leber's amaurosis. Identifiers: Orphanet 65, MedGen C0339527, MeSH D057130, MONDO:0018998.
Retinal disorder. Also called: Retinopathy; Retinal disorders; Retinopathies; Retinal Diseases. Identifiers: MedGen C0035309, MONDO:0005283, HP:0000488.
CRB1-related disorder. Also called: CRB1-related disorders; CRB1-related condition.

Allele frequency attached by ClinVar (database versions not stated): ExAC 0.00001; TOPMed 0.00002.
gnomAD v4.1: 62 of 1,613,728 alleles (0.0038%); highest among the groups gnomAD compares: Non-Finnish European, 0.0047%; no homozygotes.

Submissions (11):

PreventionGenetics, part of Exact Sciences
Classification: Pathogenic for CRB1-related condition. Last evaluated: 2026-07-13. Review status: criteria provided, single submitter. Criteria: ACMG Guidelines, 2015. Collection method: clinical testing. Allele origin: germline.
Comment: The CRB1 c.3014A>T variant is predicted to result in the amino acid substitution p.Asp1005Val. This variant has been reported in the homozygous and compound heterozygous states in multiple individuals with retinal disease (Corton et al. 2013. PubMed ID: 23379534; Table S1, Stone et al. 2017. PubMed ID: 28559085; Zenteno et al. 2019. PubMed ID: 31736247; Roshandel et al. 2021. PubMed ID: 34003923; Mairot et al. 2021. PubMed ID: 34884448; Table S1, Lin et al. 2024. PubMed ID: 38219857). This variant is present in 0.0053% of alleles in individuals of European (Non-Finnish) descent in gnomAD. This variant is interpreted as pathogenic.

Genetics Laboratory, Great Ormond Street Hospital NHS Foundation Trust, North Thames Genomic Laboratory Hub
Classification: Likely pathogenic for Retinal disorders. Last evaluated: 2026-03-18. Review status: criteria provided, single submitter. Criteria: ACGS Best Practice Guidelines for Variant Classification in Rare Disease 2024 v1.2. Collection method: clinical testing. Allele origin: germline. Affected: yes.
Comment: PM2_moderate, PP3_supporting, PM3_strong

Labcorp Genetics (formerly Invitae), Labcorp
Classification: Pathogenic for Leber congenital amaurosis 8; Retinitis pigmentosa 12. Last evaluated: 2025-09-25. Review status: criteria provided, single submitter. Criteria: Invitae Variant Classification Sherloc (09022015). Collection method: clinical testing. Allele origin: germline.
Comment: This sequence change replaces aspartic acid, which is acidic and polar, with valine, which is neutral and non-polar, at codon 1005 of the CRB1 protein (p.Asp1005Val). This variant is present in population databases (rs369184026, gnomAD 0.005%). This missense change has been observed in individual(s) with CRB1-related conditions (PMID: 23379534, 28559085). In at least one individual the data is consistent with being in trans (on the opposite chromosome) from a pathogenic variant. ClinVar contains an entry for this variant (Variation ID: 846589). Invitae Evidence Modeling of protein sequence and biophysical properties (such as structural, functional, and spatial information, amino acid conservation, physicochemical variation, residue mobility, and thermodynamic stability) has been performed for this missense variant. However, the output from this modeling did not meet the statistical confidence thresholds required to predict the impact of this variant on CRB1 protein function. For these reasons, this variant has been classified as Pathogenic.

Natera, Inc.
Classification: Pathogenic for Leber congenital amaurosis. Last evaluated: 2025-06-23. Review status: criteria provided, single submitter. Criteria: Natera Variant Classification Schema (03/2026). Collection method: clinical testing. Allele origin: germline.
Comment: The c.3014A>T variant in CRB1 is a missense variant predicted to cause substitution of aspartic acid to valine at amino acid 1005. This variant is rare in the general population with a frequency below the threshold expected for the associated phenotype(s). This variant has been observed in one or more individuals affected with the associated recessive disease, as either homozygous or compound heterozygous with a second variant (PMID: 31736247, 36196406, 34884448, 28559085, 34034222). Computational prediction algorithms indicate this variant is likely to affect gene or protein function. Given the available evidence, this variant is classified as Pathogenic.

Blueprint Genetics
Classification: Pathogenic for CRB1-related disorders. Last evaluated: 2024-10-03. Review status: criteria provided, single submitter. Criteria: ACMG Guidelines, 2015. Collection method: clinical testing. Allele origin: germline. Affected: yes. Observed: 5 variant alleles.

Fulgent Genetics
Classification: Likely pathogenic for Pigmented paravenous retinochoroidal atrophy; Retinitis pigmentosa 12; Leber congenital amaurosis 8. Last evaluated: 2024-05-30. Review status: criteria provided, single submitter. Criteria: ACMG Guidelines, 2015. Collection method: clinical testing. Allele origin: germline.

Baylor Genetics
Classification: Pathogenic for Leber congenital amaurosis 8. Last evaluated: 2024-02-14. Review status: criteria provided, single submitter. Criteria: ACMG Guidelines, 2015. Collection method: clinical testing. Allele origin: unknown.

Genome-Nilou Lab
Classification: Pathogenic for Leber congenital amaurosis 8. Last evaluated: 2023-04-11. Review status: criteria provided, single submitter. Criteria: ACMG Guidelines, 2015. Collection method: clinical testing. Allele origin: germline. Affected: no.

Genome-Nilou Lab
Classification: Pathogenic for Pigmented paravenous retinochoroidal atrophy. Last evaluated: 2023-04-11. Review status: criteria provided, single submitter. Criteria: ACMG Guidelines, 2015. Collection method: clinical testing. Allele origin: germline. Affected: no.

Genome-Nilou Lab
Classification: Pathogenic for Retinitis pigmentosa 12. Last evaluated: 2023-04-11. Review status: criteria provided, single submitter. Criteria: ACMG Guidelines, 2015. Collection method: clinical testing. Allele origin: germline. Affected: no.

Laboratory of Genetics in Ophthalmology, Institut Imagine
Classification: Likely pathogenic for Leber congenital amaurosis 8. Review status: no assertion criteria provided. Collection method: research. Allele origin: inherited. Affected: yes. Observed: 2 variant alleles. Not counted in ClinVar's aggregate classification.

Literature cited by the submitters: PubMed 23379534 (cited by Labcorp Genetics (formerly Invitae), Labcorp and Laboratory of Genetics in Ophthalmology, Institut Imagine); PubMed 28559085 (cited by Labcorp Genetics (formerly Invitae), Labcorp and Natera, Inc.); PubMed 31736247 (cited by Natera, Inc.); PubMed 36196406 (cited by Natera, Inc.); PubMed 34884448 (cited by Natera, Inc.); PubMed 34034222 (cited by Natera, Inc.).

NM_201253.3(CRB1):c.3014A>T (p.Asp1005Val)

Gene: CRB1 (crumbs cell polarity complex component 1; plus strand). Cytogenetic location: 1q31.3.
Variant type: single nucleotide variant.
Coding change: c.3014A>T on transcript NM_201253.3 (MANE Select); coding-DNA position 3014, A replaced by T.
Protein change: p.Asp1005Val; replaces aspartic acid 1005 with valine.
Molecular consequence: missense variant. On other transcripts: non-coding transcript variant (2), intron variant (1).
Genome position (GRCh38, 1-based): chr1:197,434,877, A>T. VCF-style: chr1-197434877-A-T. GRCh37 (hg19) VCF-style: chr1-197404007-A-T.
Other names: c.2678A>T, p.Asp893Val (NM_001193640.2); c.2942A>T, p.Asp981Val (NM_001257965.2); c.2129-723A>T (NM_001257966.2); short protein forms D981V, D1005V, D893V.
Identifiers: ClinVar variation 846589 (VCV000846589.20), dbSNP rs369184026, ClinGen allele CA1312260.